The following is an entry in ClinVar:

NC_012920.1(MT-CO1):m.6504G>A

Gene: MT-CO1 (mitochondrially encoded cytochrome c oxidase I; plus strand).
Variant type: single nucleotide variant.
Genome position: chrM-6504-G-A.
Identifiers: ClinVar variation 692653 (VCV000692653.1), dbSNP rs1603220512, ClinGen allele CA414784417.

ClinVar aggregate classification (germline): Uncertain significance (1 of 4 stars; one submission).

Conditions:
Leigh syndrome (NULS). Also called: Leigh's necrotizing encephalopathy; Leigh's disease; Leigh Syndrome (mtDNA deletion); Leigh Disease; Subacute necrotizing encephalopathy; Necrotizing encephalopathy infantile subacute of Leigh. Identifiers: Orphanet 506, MedGen C2931891, MONDO:0009723, OMIM 256000.

Submission:

Wong Mito Lab, Molecular and Human Genetics, Baylor College of Medicine
Classification: Uncertain significance for Leigh syndrome. Last evaluated: 2019-10-17. Review status: criteria provided, single submitter. Criteria: Modified ACMG Guidelines (Unpublished). Collection method: clinical testing. Allele origin: germline.
Comment: The NC_012920.1:m.6504G>A (YP_003024028.1:p.Val201Ile) variant in MTCO1 gene is interpretated to be a Uncertain Significance variant based on the modified ACMG guidelines (unpublished). This variant meets the following evidence codes: PP3, PP6